The following is an entry in ClinVar:

NM_000135.4(FANCA):c.4315A>G (p.Arg1439Gly)

Genes: FANCA (FA complementation group A; minus strand), ZNF276 (zinc finger protein 276; plus strand). Cytogenetic location: 16q24.3.
Variant type: single nucleotide variant.
Coding change: c.4315A>G on transcript NM_000135.4 (MANE Select); coding-DNA position 4315, A replaced by G.
Protein change: p.Arg1439Gly; replaces arginine 1439 with glycine.
Molecular consequence: missense variant. On other transcripts: 3 prime UTR variant (3), non-coding transcript variant (4).
Genome position (GRCh38, 1-based): chr16:89,738,654, T>C on the plus strand (A>G on the coding strand, the complement: FANCA is on the minus strand). VCF-style: chr16-89738654-T-C. GRCh37 (hg19) VCF-style: chr16-89805062-T-C.
Other names: c.*44A>G (NM_001286167.3); c.*408T>C (NM_001113525.2, NM_152287.4); short protein forms R1439G.
Identifiers: ClinVar variation 4022211 (VCV004022211.1).

ClinVar aggregate classification (germline): Uncertain significance (1 of 4 stars; one submission).

Conditions:
Inborn genetic diseases. Identifiers: MedGen C0950123, MeSH D030342.

Submission:

Ambry Genetics
Classification: Uncertain significance for Inborn genetic diseases. Last evaluated: 2025-04-20. Review status: criteria provided, single submitter. Criteria: Ambry Variant Classification Scheme 2023. Collection method: clinical testing. Allele origin: germline.
Comment: The p.R1439G variant (also known as c.4315A>G), located in coding exon 43 of the FANCA gene, results from an A to G substitution at nucleotide position 4315. The arginine at codon 1439 is replaced by glycine, an amino acid with dissimilar properties. This amino acid position is conserved. In addition, this alteration is predicted to be tolerated by in silico analysis. Based on the available evidence, the clinical significance of this variant remains unclear.